The following is an entry in ClinVar:

ClinVar aggregate classification (germline): Uncertain significance (1 of 4 stars; one submission).

Conditions:
Hereditary nonpolyposis colorectal neoplasms. Identifiers: MedGen C0009405, MeSH D003123.

Submission:

Labcorp Genetics (formerly Invitae), Labcorp
Classification: Uncertain significance for Hereditary nonpolyposis colorectal neoplasms. Last evaluated: 2022-07-29. Review status: criteria provided, single submitter. Criteria: Invitae Variant Classification Sherloc (09022015). Collection method: clinical testing. Allele origin: germline.
Comment: In summary, the available evidence is currently insufficient to determine the role of this variant in disease. Therefore, it has been classified as a Variant of Uncertain Significance. Advanced modeling of protein sequence and biophysical properties (such as structural, functional, and spatial information, amino acid conservation, physicochemical variation, residue mobility, and thermodynamic stability) performed at Invitae indicates that this missense variant is not expected to disrupt PMS2 protein function. This variant has not been reported in the literature in individuals affected with PMS2-related conditions. The frequency data for this variant in the population databases (gnomAD) is considered unreliable due to the presence of homologous sequence, such as pseudogenes or paralogs, in the genome. This sequence change replaces glutamine, which is neutral and polar, with arginine, which is basic and polar, at codon 861 of the PMS2 protein (p.Gln861Arg).

NM_000535.7(PMS2):c.2582A>G (p.Gln861Arg)

Gene: PMS2 (PMS1 homolog 2, mismatch repair system component; minus strand). Cytogenetic location: 7p22.1.
Variant type: single nucleotide variant.
Coding change: c.2582A>G on transcript NM_000535.7 (MANE Select); coding-DNA position 2582, A replaced by G.
Protein change: p.Gln861Arg; replaces glutamine 861 with arginine.
Molecular consequence: missense variant. On other transcripts: non-coding transcript variant (1).
Genome position (GRCh38, 1-based): chr7:5,973,406, T>C on the plus strand (A>G on the coding strand, the complement: PMS2 is on the minus strand). VCF-style: chr7-5973406-T-C. GRCh37 (hg19) VCF-style: chr7-6013037-T-C.
Other names: c.2177A>G, p.Gln726Arg (NM_001018040.1, NM_001322003.2, NM_001322004.2 and 12 more transcripts); c.2426A>G, p.Gln809Arg (NM_001322006.2); c.2264A>G, p.Gln755Arg (NM_001322007.2, NM_001322008.2, NM_001406883.1); c.2210A>G, p.Gln737Arg (NM_001322009.2, NM_001406887.1, NM_001406888.1); c.2021A>G, p.Gln674Arg (NM_001322010.2, NM_001406906.1, NM_001406907.1); c.1649A>G, p.Gln550Arg (NM_001322011.2, NM_001322012.2); c.2009A>G, p.Gln670Arg (NM_001322013.2, NM_001406908.1, NM_001406909.1); c.2615A>G, p.Gln872Arg (NM_001322014.2); and 20 more; short protein forms Q460R, Q550R, Q604R, Q795R, Q809R, Q813R, Q825R, Q726R.
Identifiers: ClinVar variation 2158374 (VCV002158374.4), dbSNP rs2535175172, ClinGen allele CA366734705.